The following is an entry in ClinVar:

NM_001083962.2(TCF4):c.1051T>A (p.Ser351Thr)

Gene: TCF4 (transcription factor 4; minus strand). Cytogenetic location: 18q21.2.
Variant type: single nucleotide variant.
Coding change: c.1051T>A on transcript NM_001083962.2 (MANE Select); coding-DNA position 1051, T replaced by A.
Protein change: p.Ser351Thr; replaces serine 351 with threonine.
Molecular consequence: missense variant.
Genome position (GRCh38, 1-based): chr18:55,259,967, A>T on the plus strand (T>A on the coding strand, the complement: TCF4 is on the minus strand). VCF-style: chr18-55259967-A-T. GRCh37 (hg19) VCF-style: chr18-52927198-A-T.
Other names: c.1357T>A, p.Ser453Thr (NM_001243226.3); c.979T>A, p.Ser327Thr (NM_001243227.2, NM_001306207.1, NM_001348217.1 and 9 more transcripts); c.1069T>A, p.Ser357Thr (NM_001243228.2); c.1045T>A, p.Ser349Thr (NM_001243230.2); c.925T>A, p.Ser309Thr (NM_001243231.2, NM_001348211.2); c.838T>A, p.Ser280Thr (NM_001243232.1, NM_001306208.1); c.661T>A, p.Ser221Thr (NM_001243233.2, NM_001330605.3, NM_001348212.2 and 1 more transcripts); c.571T>A, p.Ser191Thr (NM_001243234.2, NM_001243235.2, NM_001243236.2 and 2 more transcripts); and 4 more; short protein forms S135T, S191T, S221T, S280T, S309T, S326T, S327T, S349T.
Identifiers: ClinVar variation 3369788 (VCV003369788.1).

ClinVar aggregate classification (germline): Uncertain significance (1 of 4 stars; one submission).

Submission:

GeneDx
Classification: Uncertain significance. Last evaluated: 2024-02-26. Review status: criteria provided, single submitter. Criteria: GeneDx Variant Classification Process June 2021. Collection method: clinical testing. Allele origin: germline. Affected: yes.
Comment: Not observed at significant frequency in large population cohorts (gnomAD); In silico analysis supports that this missense variant has a deleterious effect on protein structure/function; Has not been previously published as pathogenic or benign to our knowledge